The following is an entry in ClinVar:

ClinVar aggregate classification (germline): Uncertain significance. Review status: criteria provided, multiple submitters, no conflicts (2 of 4 stars). 2 submissions from 2 submitters: Uncertain significance (2). Last evaluated 2024-11-22.

Conditions:
Hereditary pancreatitis (PCTT). Also called: PRSS1-Related Hereditary Pancreatitis; Hereditary chronic pancreatitis. Identifiers: Orphanet 676, MedGen C0238339, MONDO:0008185, OMIM 167800.

Allele frequency attached by ClinVar (database versions not stated): TOPMed 0.00001.
gnomAD v4.1: 3 of 1,613,848 alleles (0.00019%); highest among the groups gnomAD compares: Admixed American, 0.0033%; no homozygotes.

Submissions (2):

Ambry Genetics
Classification: Uncertain significance for Hereditary pancreatitis. Last evaluated: 2024-11-22. Review status: criteria provided, single submitter. Criteria: Ambry Variant Classification Scheme 2023. Collection method: clinical testing. Allele origin: germline.
Comment: The p.A73S variant (also known as c.217G>T), located in coding exon 3 of the CTRC gene, results from a G to T substitution at nucleotide position 217. The alanine at codon 73 is replaced by serine, an amino acid with similar properties. Another variant at the same codon, p.A73T (c.217G>A), has been identified in individuals with features consistent with CTRC-related chronic pancreatitis (Rosendahl J et al. Nat Genet, 2008 Jan;40:78-82; Beer S et al. Gut, 2013 Nov;62:1616-24). This amino acid position is highly conserved in available vertebrate species. In addition, this alteration is predicted to be deleterious by in silico analysis. Based on the available evidence, the clinical significance of this variant remains unclear.

Labcorp Genetics (formerly Invitae), Labcorp
Classification: Uncertain significance for Hereditary pancreatitis. Last evaluated: 2019-09-01. Review status: criteria provided, single submitter. Criteria: Invitae Variant Classification Sherloc (09022015). Collection method: clinical testing. Allele origin: germline.
Comment: This sequence change replaces alanine with serine at codon 73 of the CTRC protein (p.Ala73Ser). The alanine residue is highly conserved and there is a moderate physicochemical difference between alanine and serine. In summary, the available evidence is currently insufficient to determine the role of this variant in disease. Therefore, it has been classified as a Variant of Uncertain Significance. Algorithms developed to predict the effect of missense changes on protein structure and function (SIFT, PolyPhen-2, Align-GVGD) all suggest that this variant is likely to be disruptive, but these predictions have not been confirmed by published functional studies and their clinical significance is uncertain. This variant has not been reported in the literature in individuals with CTRC-related conditions. This variant is not present in population databases (ExAC no frequency).

Literature cited by the submitters: PubMed 18059268 (cited by Ambry Genetics); PubMed 22942235 (cited by Ambry Genetics).

NM_007272.3(CTRC):c.217G>T (p.Ala73Ser)

Gene: CTRC (chymotrypsin C; plus strand). Cytogenetic location: 1p36.21.
Variant type: single nucleotide variant.
Coding change: c.217G>T on transcript NM_007272.3 (MANE Select); coding-DNA position 217, G replaced by T.
Protein change: p.Ala73Ser; replaces alanine 73 with serine.
Molecular consequence: missense variant.
Genome position (GRCh38, 1-based): chr1:15,440,577, G>T. VCF-style: chr1-15440577-G-T. GRCh37 (hg19) VCF-style: chr1-15767073-G-T.
Other names: short protein forms A73S.
Identifiers: ClinVar variation 937634 (VCV000937634.10), dbSNP rs515726209, ClinGen allele CA338565118.